The following is an entry in ClinVar:

ClinVar aggregate classification (germline): Uncertain significance (1 of 4 stars; one submission).

Allele frequency attached by ClinVar (database versions not stated): gnomAD exomes below 0.00001; TOPMed below 0.00001; gnomAD 0.00001.
gnomAD v4.1: 4 of 1,559,182 alleles (0.00026%); highest among the groups gnomAD compares: Non-Finnish European, 0.00035%; no homozygotes.

Submission:

Labcorp Genetics (formerly Invitae), Labcorp
Classification: Uncertain significance. Last evaluated: 2022-04-22. Review status: criteria provided, single submitter. Criteria: Invitae Variant Classification Sherloc (09022015). Collection method: clinical testing. Allele origin: germline.
Comment: This variant has not been reported in the literature in individuals affected with TRAPPC9-related conditions. This variant is not present in population databases (gnomAD no frequency). This sequence change replaces arginine, which is basic and polar, with histidine, which is basic and polar, at codon 90 of the TRAPPC9 protein (p.Arg90His). Algorithms developed to predict the effect of missense changes on protein structure and function are either unavailable or do not agree on the potential impact of this missense change (SIFT: "Not Available"; PolyPhen-2: "Benign"; Align-GVGD: "Not Available"). In summary, the available evidence is currently insufficient to determine the role of this variant in disease. Therefore, it has been classified as a Variant of Uncertain Significance.

NM_031466.8(TRAPPC9):c.-26G>A

Gene: TRAPPC9 (trafficking protein particle complex subunit 9; minus strand). Cytogenetic location: 8q24.3.
Variant type: single nucleotide variant.
Coding change: c.-26G>A on transcript NM_031466.8; 26 bases upstream of the start codon, G replaced by A.
Molecular consequence: 5 prime UTR variant.
Genome position (GRCh38, 1-based): chr8:140,458,296, C>T on the plus strand (G>A on the coding strand, the complement: TRAPPC9 is on the minus strand). VCF-style: chr8-140458296-C-T. GRCh37 (hg19) VCF-style: chr8-141468395-C-T.
Identifiers: ClinVar variation 2183715 (VCV002183715.3), dbSNP rs1380355825, ClinGen allele CA372320893.